The following is an entry in ClinVar:

NM_024120.5(NDUFAF5):c.585T>C (p.Tyr195=)

Gene: NDUFAF5 (NADH:ubiquinone oxidoreductase complex assembly factor 5; plus strand). Cytogenetic location: 20p12.1.
Variant type: single nucleotide variant.
Coding change: c.585T>C on transcript NM_024120.5 (MANE Select); coding-DNA position 585, T replaced by C.
Protein change: p.Tyr195=; no amino-acid change (tyrosine 195 retained).
Molecular consequence: synonymous variant. On other transcripts: non-coding transcript variant (7).
Genome position (GRCh38, 1-based): chr20:13,801,551, T>C. VCF-style: chr20-13801551-T-C. GRCh37 (hg19) VCF-style: chr20-13782197-T-C.
Other names: c.501T>C, p.Tyr167= (NM_001039375.3); c.114T>C, p.Tyr38= (NM_001352403.2); c.24T>C, p.Tyr8= (NM_001352406.2, NM_001352407.2); c.585T>C, p.Tyr195= (NM_001352408.2).
Identifiers: ClinVar variation 198588 (VCV000198588.17), dbSNP rs150955045, ClinGen allele CA247323.

ClinVar aggregate classification (germline): Conflicting classifications of pathogenicity. Review status: criteria provided, conflicting classifications (1 of 4 stars). 5 submissions from 5 submitters: Uncertain significance (1); Benign (1); Likely benign (2). 1 of the submissions does not count toward it. Last evaluated 2026-01-25.

Conditions:
Mitochondrial complex I deficiency. Also called: NADH:Q(1) OXIDOREDUCTASE DEFICIENCY. Identifiers: Orphanet 2609, MedGen C1838979, MeSH C537475, MONDO:0100133.

Allele frequency attached by ClinVar (database versions not stated): gnomAD exomes 0.00007 and 0.00023; ExAC 0.00027; ESP Exome Variant Server 0.00077; 1000 Genomes Project 30x 0.00078; gnomAD 0.00098 and 0.00104; 1000 Genomes Project 0.00100; TOPMed 0.00100.
gnomAD v4.1: 260 of 1,614,118 alleles (0.016%); highest among the groups gnomAD compares: African/African-American, 0.28%; 1 homozygote.

Submissions (5):

Labcorp Genetics (formerly Invitae), Labcorp
Classification: Benign. Last evaluated: 2026-01-25. Review status: criteria provided, single submitter. Criteria: Invitae Variant Classification Sherloc (09022015). Collection method: clinical testing. Allele origin: germline.

Blueprint Genetics
Classification: Likely benign. Last evaluated: 2023-12-13. Review status: criteria provided, single submitter. Criteria: ACMG Guidelines, 2015. Collection method: clinical testing. Allele origin: germline.

GeneDx
Classification: Likely benign. Last evaluated: 2016-07-26. Review status: criteria provided, single submitter. Criteria: GeneDx Variant Classification (06012015). Collection method: clinical testing. Allele origin: germline. Affected: yes.
Comment: This variant is considered likely benign or benign based on one or more of the following criteria: it is a conservative change, it occurs at a poorly conserved position in the protein, it is predicted to be benign by multiple in silico algorithms, and/or has population frequency not consistent with disease.

Eurofins Ntd Llc (ga)
Classification: Uncertain significance. Last evaluated: 2016-07-19. Review status: criteria provided, single submitter. Criteria: EGL Classification Definitions 2015. Collection method: clinical testing. Allele origin: germline. Observed: 2 variant alleles, 2 heterozygotes.

Natera, Inc.
Classification: Uncertain significance for Mitochondrial complex I deficiency. Last evaluated: 2020-01-24. Review status: no assertion criteria provided. Collection method: clinical testing. Allele origin: germline. Not counted in ClinVar's aggregate classification.